The following is an entry in ClinVar:

ClinVar aggregate classification (germline): Likely pathogenic. Review status: criteria provided, multiple submitters, no conflicts (2 of 4 stars). 3 submissions from 3 submitters: Likely pathogenic (2). 1 of the submissions does not count toward it. Last evaluated 2023-06-27.

Conditions:
Malignant lymphoma, large B-cell, diffuse. Also called: Diffuse large B cell lymphoma. Identifiers: Orphanet 544, MedGen C0079744, MeSH D016403, MONDO:0018905.
Familial cancer of breast. Also called: hereditary breast carcinoma; BREAST CANCER, FAMILIAL; Hereditary breast cancer. Identifiers: Orphanet 227535, MedGen C0346153, MONDO:0016419, OMIM 114480. Disease mechanism: loss of function.

Submissions (3):

Myriad Genetics, Inc.
Classification: Likely pathogenic for Familial cancer of breast. Last evaluated: 2023-06-27. Review status: criteria provided, single submitter. Criteria: Myriad Autosomal Dominant, Autosomal Recessive and X-Linked Classification Criteria (2023). Collection method: clinical testing. Allele origin: unknown.
Comment: This variant is considered likely pathogenic. This variant occurs within a consensus splice junction and is predicted to result in abnormal mRNA splicing of either an out-of-frame exon or an in-frame exon necessary for protein stability and/or normal function.

Labcorp Genetics (formerly Invitae), Labcorp
Classification: Likely pathogenic for Familial cancer of breast. Last evaluated: 2022-09-05. Review status: criteria provided, single submitter. Criteria: Invitae Variant Classification Sherloc (09022015). Collection method: clinical testing. Allele origin: germline.
Comment: Algorithms developed to predict the effect of sequence changes on RNA splicing suggest that this variant may disrupt the consensus splice site. In summary, the currently available evidence indicates that the variant is pathogenic, but additional data are needed to prove that conclusively. Therefore, this variant has been classified as Likely Pathogenic. ClinVar contains an entry for this variant (Variation ID: 573654). This variant has not been reported in the literature in individuals affected with CHEK2-related conditions. This variant is not present in population databases (gnomAD no frequency). This sequence change affects a donor splice site in intron 10 of the CHEK2 gene. It is expected to disrupt RNA splicing. Variants that disrupt the donor or acceptor splice site typically lead to a loss of protein function (PMID: 16199547), and loss-of-function variants in CHEK2 are known to be pathogenic (PMID: 21876083, 24713400).

Department Of Pathology & Laboratory Medicine, University Of Pennsylvania
Classification: Likely pathogenic for Malignant lymphoma, large B-cell, diffuse. Last evaluated: 2023-12-04. Review status: no assertion criteria provided. Collection method: clinical testing. Allele origin: somatic. Affected: yes. Observed: 1 variant allele. Not counted in ClinVar's aggregate classification.
Comment: Pre-therapy specimen.

Literature cited by the submitters: PubMed 16199547 (cited by Labcorp Genetics (formerly Invitae), Labcorp); PubMed 21876083 (cited by Labcorp Genetics (formerly Invitae), Labcorp); PubMed 24713400 (cited by Labcorp Genetics (formerly Invitae), Labcorp).

NM_007194.4(CHEK2):c.1095+2T>G

Gene: CHEK2 (checkpoint kinase 2; minus strand). Cytogenetic location: 22q12.1.
Variant type: single nucleotide variant.
Coding change: c.1095+2T>G on transcript NM_007194.4 (MANE Select); the canonical splice donor site of the intron after coding-DNA position 1095, T replaced by G.
Molecular consequence: splice donor variant. On other transcripts: intron variant (3).
Genome position (GRCh38, 1-based): chr22:28,696,899, A>C on the plus strand (T>G on the coding strand, the complement: CHEK2 is on the minus strand). VCF-style: chr22-28696899-A-C. GRCh37 (hg19) VCF-style: chr22-29092887-A-C.
Other names: c.432+2T>G (NM_001437942.1, NM_001257387.3); c.894+2T>G (NM_001349956.3); c.1009-1026T>G (NM_145862.3); c.1102-1026T>G (NM_001438295.1); c.1188+2T>G (NM_001438293.1); c.1138-1026T>G (NM_001438294.1); c.1224+2T>G (NM_001005735.3).
Identifiers: ClinVar variation 573654 (VCV000573654.14), dbSNP rs1569115687, ClinGen allele CA411097402.
Genomic context (GRCh38, chr22:28,696,899, plus strand): 5'-AATTAAAAGTTTCTGAACAAGAATCTACAGGAATAGCCACATACAGAATGCCAATTTCTT[A>C]CCTTTATAAGACAGTCCTCTTCTTGAGATGACAGTAAAACATTCTCTGGCTTTAAGTCAC-3'